The following is an entry in ClinVar:

NM_000127.3(EXT1):c.456C>A (p.Cys152Ter)

Gene: EXT1 (exostosin glycosyltransferase 1; minus strand). Cytogenetic location: 8q24.11.
Variant type: single nucleotide variant.
Coding change: c.456C>A on transcript NM_000127.3 (MANE Select); coding-DNA position 456, C replaced by A.
Protein change: p.Cys152Ter; replaces cysteine 152 with a stop codon.
Molecular consequence: nonsense.
Genome position (GRCh38, 1-based): chr8:118,110,591, G>T on the plus strand (C>A on the coding strand, the complement: EXT1 is on the minus strand). VCF-style: chr8-118110591-G-T. GRCh37 (hg19) VCF-style: chr8-119122830-G-T.
Other names: short protein forms C152*.
Identifiers: ClinVar variation 489051 (VCV000489051.8), dbSNP rs1554601534, ClinGen allele CA371915806.
Genomic context (GRCh38, chr8:118,110,591, plus strand): 5'-GTGCACATACTGAGGTGACAACTGGTCTCTGTCTAAAGTATCCAGACTCAGGACAAAGAG[G>T]CACGCCTGGCTGGGGTCCGAGGTGTAGAACCTGGAGCCCTCGATGGCCGCTAGAATGTTT-3'

ClinVar aggregate classification (germline): Pathogenic. Review status: criteria provided, multiple submitters, no conflicts (2 of 4 stars). 2 submissions from 2 submitters: Pathogenic (2). Last evaluated 2020-10-19.

Conditions:
Multiple congenital exostosis (EXT). Also called: Multiple osteochondromas; Multiple exostoses; Hereditary multiple exostoses; Hereditary multiple exostosis; MULTIPLE CARTILAGINOUS EXOSTOSES; Hereditary multiple osteochondromas. Identifiers: Orphanet 321, MedGen C0015306, MONDO:0005508, HP:0002762.

Submissions (2):

Labcorp Genetics (formerly Invitae), Labcorp
Classification: Pathogenic for Multiple congenital exostosis. Last evaluated: 2020-10-19. Review status: criteria provided, single submitter. Criteria: Invitae Variant Classification Sherloc (09022015). Collection method: clinical testing. Allele origin: germline.
Comment: This sequence change creates a premature translational stop signal (p.Cys152*) in the EXT1 gene. It is expected to result in an absent or disrupted protein product. Loss-of-function variants in EXT1 are known to be pathogenic (PMID: 10679937, 11391482, 19810120). This variant is not present in population databases (ExAC no frequency). This variant has not been reported in the literature in individuals with EXT1-related conditions. ClinVar contains an entry for this variant (Variation ID: 489051). For these reasons, this variant has been classified as Pathogenic.

GeneDx
Classification: Pathogenic. Last evaluated: 2017-10-04. Review status: criteria provided, single submitter. Criteria: GeneDx Variant Classification (06012015). Collection method: clinical testing. Allele origin: germline. Affected: yes.
Comment: The C152X variant in the EXT1 gene has not been reported previously as a pathogenic variant nor as a benign variant, to our knowledge. This variant is predicted to cause loss of normal protein function either through protein truncation or nonsense-mediated mRNA decay. The C152X variant is not observed in large population cohorts (Lek et al., 2016; 1000 Genomes Consortium et al., 2015; Exome Variant Server). We interpret C152X as a likely pathogenic variant.

Literature cited by the submitters: PubMed 10679937 (cited by Labcorp Genetics (formerly Invitae), Labcorp); PubMed 11391482 (cited by Labcorp Genetics (formerly Invitae), Labcorp); PubMed 19810120 (cited by Labcorp Genetics (formerly Invitae), Labcorp).